The following is an entry in ClinVar:

NM_017763.6(RNF43):c.1215G>A (p.Leu405=)

Gene: RNF43 (ring finger protein 43; minus strand). Cytogenetic location: 17q22.
Variant type: single nucleotide variant.
Coding change: c.1215G>A on transcript NM_017763.6 (MANE Select); coding-DNA position 1215, G replaced by A.
Protein change: p.Leu405=; no amino-acid change (leucine 405 retained).
Molecular consequence: synonymous variant.
Genome position (GRCh38, 1-based): chr17:58,358,561, C>T on the plus strand (G>A on the coding strand, the complement: RNF43 is on the minus strand). VCF-style: chr17-58358561-C-T. GRCh37 (hg19) VCF-style: chr17-56435922-C-T.
Other names: c.1215G>A, p.Leu405= (NM_001305544.3); c.834G>A, p.Leu278= (NM_001305545.2).
Identifiers: ClinVar variation 3616917 (VCV003616917.4).

ClinVar aggregate classification (germline): Benign/Likely benign. Review status: criteria provided, multiple submitters, no conflicts (2 of 4 stars). 3 submissions from 3 submitters: Benign (1); Likely benign (2). Last evaluated 2026-07-01.

Conditions:
Sessile serrated polyposis cancer syndrome (SSPCS). Identifiers: Orphanet 157798, MedGen C4310714, MONDO:0014919, OMIM 617108.

gnomAD v4.1: 18 of 1,607,660 alleles (0.0011%); highest among the groups gnomAD compares: Non-Finnish European, 0.0015%; no homozygotes.

Submissions (3):

Myriad Genetics, Inc.
Classification: Benign for Sessile serrated polyposis cancer syndrome. Last evaluated: 2026-07-01. Review status: criteria provided, single submitter. Criteria: Myriad Autosomal Dominant, Autosomal Recessive and X-Linked Classification Criteria (2023). Collection method: clinical testing. Allele origin: unknown.
Comment: This variant is considered benign. This variant is a silent/synonymous amino acid change and it is not expected to impact splicing.

Ambry Genetics
Classification: Likely benign. Last evaluated: 2025-01-17. Review status: criteria provided, single submitter. Criteria: Ambry Variant Classification Scheme 2023. Collection method: clinical testing. Allele origin: germline.

Labcorp Genetics (formerly Invitae), Labcorp
Classification: Likely benign. Last evaluated: 2024-04-30. Review status: criteria provided, single submitter. Criteria: Invitae Variant Classification Sherloc (09022015). Collection method: clinical testing. Allele origin: germline.